The following is an entry in ClinVar:

ClinVar aggregate classification (germline): Likely benign. Review status: criteria provided, multiple submitters, no conflicts (2 of 4 stars). 3 submissions from 3 submitters: Likely benign (3). Last evaluated 2025-08-12.

Conditions:
Osteogenesis imperfecta type I (OI1). Also called: OI, TYPE I; OSTEOGENESIS IMPERFECTA TARDA; OSTEOGENESIS IMPERFECTA WITH BLUE SCLERAE; Osteogenesis imperfecta type 1; Classic Non-deforming Osteogenesis Imperfecta with Blue Sclerae; Lobstein's Disease. Identifiers: Orphanet 216796, Orphanet 666, MedGen C0023931, MONDO:0008146, OMIM 166200. Disease mechanism: loss of function.
Ehlers-Danlos syndrome, classic type, 1 (EDSCL1). Also called: EDS I; EHLERS-DANLOS SYNDROME, GRAVIS TYPE; EHLERS-DANLOS SYNDROME, SEVERE CLASSIC TYPE; Ehlers-Danlos Syndrome, Classic Type, COL5A1-Related; Ehlers-Danlos syndrome, type 1. Identifiers: MedGen C0268335, MONDO:0019567, OMIM 130000.
Cardiovascular phenotype. Identifiers: MedGen CN230736.

Allele frequency attached by ClinVar (database versions not stated): gnomAD exomes below 0.00001; gnomAD 0.00001; TOPMed 0.00002.
gnomAD v4.1: 4 of 1,604,990 alleles (0.00025%); highest among the groups gnomAD compares: African/African-American, 0.0013%; no homozygotes.

Submissions (3):

Ambry Genetics
Classification: Likely benign for Cardiovascular phenotype. Last evaluated: 2025-08-12. Review status: criteria provided, single submitter. Criteria: Ambry Variant Classification Scheme 2023. Collection method: clinical testing. Allele origin: germline.

Mayo Clinic Laboratories, Mayo Clinic
Classification: Likely benign. Last evaluated: 2025-07-31. Review status: criteria provided, single submitter. Criteria: ACMG Guidelines, 2015. Collection method: clinical testing. Allele origin: germline. Observed: 1 variant allele.
Comment: BP4, BP7

Labcorp Genetics (formerly Invitae), Labcorp
Classification: Likely benign for Osteogenesis imperfecta type I; Ehlers-Danlos syndrome, classic type, 1. Last evaluated: 2024-11-21. Review status: criteria provided, single submitter. Criteria: Invitae Variant Classification Sherloc (09022015). Collection method: clinical testing. Allele origin: germline.

NM_000089.4(COL1A2):c.1926A>G (p.Pro642=)

Gene: COL1A2 (collagen type I alpha 2 chain; plus strand). Cytogenetic location: 7q21.3.
Variant type: single nucleotide variant.
Coding change: c.1926A>G on transcript NM_000089.4 (MANE Select); coding-DNA position 1926, A replaced by G.
Protein change: p.Pro642=; no amino-acid change (proline 642 retained).
Molecular consequence: synonymous variant.
Genome position (GRCh38, 1-based): chr7:94,417,786, A>G. VCF-style: chr7-94417786-A-G. GRCh37 (hg19) VCF-style: chr7-94047098-A-G.
Other names: p.Pro642=.
Identifiers: ClinVar variation 730000 (VCV000730000.7), dbSNP rs1002670119, ClinGen allele CA162930328.
Genomic context (GRCh38, chr7:94,417,786, plus strand): 5'-TGAACCTGGTGTGGTTGGTGCTGTGGGCACTGCTGGTCCATCTGGTCCTAGTGGACTCCC[A>G]GGAGAGAGGGGTGCTGCTGGCATACCTGGAGGCAAGGGAGAAAAGGTACGTGTTGACCCC-3'
Protein context (NP_000080.2, residues 632-652): TAGPSGPSGL[Pro642=]GERGAAGIPG